The following is an entry in ClinVar:

ClinVar aggregate classification (germline): Uncertain significance (1 of 4 stars; one submission).

Conditions:
Arrhythmogenic right ventricular dysplasia 12. Also called: ARRHYTHMOGENIC RIGHT VENTRICULAR DYSPLASIA, FAMILIAL, 12. Identifiers: MedGen C1969081, MONDO:0012684, OMIM 611528.
Naxos disease (NXD). Also called: PALMOPLANTAR KERATODERMA WITH ARRHYTHMOGENIC RIGHT VENTRICULAR CARDIOMYOPATHY AND WOOLLY HAIR; WOOLLY HAIR, PALMOPLANTAR KERATODERMA, AND CARDIAC ABNORMALITIES; CARDIOMYOPATHY, ARRHYTHMOGENIC RIGHT VENTRICULAR, WITH SKIN, HAIR, AND NAIL ABNORMALITIES; KERATOSIS PALMOPLANTARIS WITH ARRHYTHMOGENIC CARDIOMYOPATHY; MAL DE NAXOS. Identifiers: Orphanet 34217, MedGen C1832600, MONDO:0011017, OMIM 601214.

gnomAD v4.1: 1 of 1,613,584 alleles (0.000062%); highest among the groups gnomAD compares: African/African-American, 0.0013%; no homozygotes.

Submission:

Labcorp Genetics (formerly Invitae), Labcorp
Classification: Uncertain significance for Arrhythmogenic right ventricular dysplasia 12; Naxos disease. Last evaluated: 2025-09-04. Review status: criteria provided, single submitter. Criteria: Invitae Variant Classification Sherloc (09022015). Collection method: clinical testing. Allele origin: germline.
Comment: This sequence change replaces serine, which is neutral and polar, with arginine, which is basic and polar, at codon 365 of the JUP protein (p.Ser365Arg). This variant is not present in population databases (gnomAD no frequency). This variant has not been reported in the literature in individuals affected with JUP-related conditions. ClinVar contains an entry for this variant (Variation ID: 3763724). An algorithm developed to predict the effect of missense changes on protein structure and function (PolyPhen-2) suggests that this variant is likely to be disruptive. In summary, the available evidence is currently insufficient to determine the role of this variant in disease. Therefore, it has been classified as a Variant of Uncertain Significance.

NM_002230.4(JUP):c.1095C>A (p.Ser365Arg)

Gene: JUP (junction plakoglobin; minus strand). Cytogenetic location: 17q21.2.
Variant type: single nucleotide variant.
Coding change: c.1095C>A on transcript NM_002230.4 (MANE Select); coding-DNA position 1095, C replaced by A.
Protein change: p.Ser365Arg; replaces serine 365 with arginine.
Molecular consequence: missense variant.
Genome position (GRCh38, 1-based): chr17:41,764,776, G>T on the plus strand (C>A on the coding strand, the complement: JUP is on the minus strand). VCF-style: chr17-41764776-G-T. GRCh37 (hg19) VCF-style: chr17-39921028-G-T.
Other names: c.1095C>A, p.Ser365Arg (NM_001352773.2, NM_001352774.2, NM_001352775.2 and 3 more transcripts); short protein forms S365R.
Identifiers: ClinVar variation 3763724 (VCV003763724.2).